The following is an entry in ClinVar:

NM_032043.3(BRIP1):c.1547T>A (p.Val516Glu)

Gene: BRIP1 (BRCA1 interacting DNA helicase 1; minus strand). Cytogenetic location: 17q23.2.
Variant type: single nucleotide variant.
Coding change: c.1547T>A on transcript NM_032043.3 (MANE Select); coding-DNA position 1547, T replaced by A.
Protein change: p.Val516Glu; replaces valine 516 with glutamic acid.
Molecular consequence: missense variant.
Genome position (GRCh38, 1-based): chr17:61,784,351, A>T on the plus strand (T>A on the coding strand, the complement: BRIP1 is on the minus strand). VCF-style: chr17-61784351-A-T. GRCh37 (hg19) VCF-style: chr17-59861712-A-T.
Other names: c.1547T>A (NM_032043.2); short protein forms V516E.
Identifiers: ClinVar variation 1041286 (VCV001041286.17), dbSNP rs2077670264, ClinGen allele CA400481208.

ClinVar aggregate classification (germline): Uncertain significance. Review status: criteria provided, multiple submitters, no conflicts (2 of 4 stars). 3 submissions from 3 submitters: Uncertain significance (3). Last evaluated 2025-09-15.

Conditions:
Hereditary cancer-predisposing syndrome. Also called: Hereditary neoplastic syndrome; Neoplastic Syndromes, Hereditary; Tumor predisposition; Hereditary Cancer Syndrome. Identifiers: Orphanet 140162, MedGen C0027672, MeSH D009386, MONDO:0015356.
Fanconi anemia complementation group J. Also called: BRIP1-Related Fanconi Anemia. Identifiers: Orphanet 84, MedGen C1836860, MONDO:0012187, OMIM 609054.
Familial cancer of breast. Also called: BREAST CANCER, FAMILIAL; Hereditary breast cancer; hereditary breast carcinoma. Identifiers: Orphanet 227535, MedGen C0346153, MONDO:0016419, OMIM 114480. Disease mechanism: loss of function.

Submissions (3):

Labcorp Genetics (formerly Invitae), Labcorp
Classification: Uncertain significance for Familial cancer of breast; Fanconi anemia complementation group J. Last evaluated: 2025-09-15. Review status: criteria provided, single submitter. Criteria: Invitae Variant Classification Sherloc (09022015). Collection method: clinical testing. Allele origin: germline.
Comment: This sequence change replaces valine, which is neutral and non-polar, with glutamic acid, which is acidic and polar, at codon 516 of the BRIP1 protein (p.Val516Glu). This variant is not present in population databases (gnomAD no frequency). This variant has not been reported in the literature in individuals affected with BRIP1-related conditions. ClinVar contains an entry for this variant (Variation ID: 1041286). Invitae Evidence Modeling of protein sequence and biophysical properties (such as structural, functional, and spatial information, amino acid conservation, physicochemical variation, residue mobility, and thermodynamic stability) indicates that this missense variant is not expected to disrupt BRIP1 protein function with a negative predictive value of 95%. In summary, the available evidence is currently insufficient to determine the role of this variant in disease. Therefore, it has been classified as a Variant of Uncertain Significance.

Center for Genomic Medicine, Rigshospitalet, Copenhagen University Hospital
Classification: Uncertain significance. Last evaluated: 2025-03-04. Review status: criteria provided, single submitter. Criteria: ACMG Guidelines, 2015. Collection method: clinical testing. Allele origin: germline.

Ambry Genetics
Classification: Uncertain significance for Hereditary cancer-predisposing syndrome. Last evaluated: 2024-01-20. Review status: criteria provided, single submitter. Criteria: Ambry Variant Classification Scheme 2023. Collection method: clinical testing. Allele origin: germline.
Comment: The p.V516E variant (also known as c.1547T>A), located in coding exon 10 of the BRIP1 gene, results from a T to A substitution at nucleotide position 1547. The valine at codon 516 is replaced by glutamic acid, an amino acid with dissimilar properties. This amino acid position is conserved. In addition, the in silico prediction for this alteration is inconclusive. Based on the available evidence, the clinical significance of this alteration remains unclear.